The following is an entry in ClinVar:

ClinVar aggregate classification (germline): Uncertain significance. Review status: criteria provided, multiple submitters, no conflicts (2 of 4 stars). 2 submissions from 2 submitters: Uncertain significance (2). Last evaluated 2021-08-17.

Conditions:
Hereditary cancer-predisposing syndrome. Also called: Tumor predisposition; Hereditary neoplastic syndrome; Hereditary Cancer Syndrome; Neoplastic Syndromes, Hereditary. Identifiers: Orphanet 140162, MedGen C0027672, MeSH D009386, MONDO:0015356.

Submissions (2):

Labcorp Genetics (formerly Invitae), Labcorp
Classification: Uncertain significance for Hereditary cancer-predisposing syndrome. Last evaluated: 2021-08-17. Review status: criteria provided, single submitter. Criteria: Invitae Variant Classification Sherloc (09022015). Collection method: clinical testing. Allele origin: germline.
Comment: This variant has not been reported in the literature in individuals with RAD50-related conditions. This sequence change replaces glutamic acid with glycine at codon 75 of the RAD50 protein (p.Glu75Gly). The glutamic acid residue is highly conserved and there is a moderate physicochemical difference between glutamic acid and glycine. This variant is not present in population databases (ExAC no frequency). Algorithms developed to predict the effect of missense changes on protein structure and function are either unavailable or do not agree on the potential impact of this missense change (SIFT: "Tolerated"; PolyPhen-2: "Probably Damaging"; Align-GVGD: "Class C0"). In summary, the available evidence is currently insufficient to determine the role of this variant in disease. Therefore, it has been classified as a Variant of Uncertain Significance.

Ambry Genetics
Classification: Uncertain significance for Hereditary cancer-predisposing syndrome. Last evaluated: 2021-07-16. Review status: criteria provided, single submitter. Criteria: Ambry Variant Classification Scheme 2023. Collection method: clinical testing. Allele origin: germline.
Comment: The p.E75G variant (also known as c.224A>G), located in coding exon 3 of the RAD50 gene, results from an A to G substitution at nucleotide position 224. The glutamic acid at codon 75 is replaced by glycine, an amino acid with similar properties. This amino acid position is conserved. In addition, the in silico prediction for this alteration is inconclusive. Since supporting evidence is limited at this time, the clinical significance of this alteration remains unclear.

NM_005732.4(RAD50):c.224A>G (p.Glu75Gly)

Gene: RAD50 (RAD50 double strand break repair protein; plus strand). Cytogenetic location: 5q31.1.
Variant type: single nucleotide variant.
Coding change: c.224A>G on transcript NM_005732.4 (MANE Select); coding-DNA position 224, A replaced by G.
Protein change: p.Glu75Gly; replaces glutamic acid 75 with glycine.
Molecular consequence: missense variant.
Genome position (GRCh38, 1-based): chr5:132,575,787, A>G. VCF-style: chr5-132575787-A-G. GRCh37 (hg19) VCF-style: chr5-131911479-A-G.
Other names: short protein forms E75G.
Identifiers: ClinVar variation 936344 (VCV000936344.12), dbSNP rs1750385406, ClinGen allele CA360930130.
Genomic context (GRCh38, chr5:132,575,787, plus strand): 5'-ACTGGTGCTTATTAAAGTAACATAAGTTTTTTCTGTGTTTTCCTTCAAAGGTTGCTCAAG[A>G]AACAGATGTGAGAGCCCAGATTCGTCTGCAATTTCGTGATGTCAATGGAGAACTTATAGC-3'
Protein context (NP_005723.2, residues 65-85): TFVHDPKVAQ[Glu75Gly]TDVRAQIRLQ